The following is an entry in ClinVar:

ClinVar aggregate classification (germline): Uncertain significance (1 of 4 stars; one submission).

Conditions:
Hereditary spastic paraplegia 18. Identifiers: Orphanet 209951, MedGen C2749936, MONDO:0012639.

Submission:

3billion
Classification: Uncertain significance for Spastic paraplegia 18b, autosomal recessive. Last evaluated: 2023-11-17. Review status: criteria provided, single submitter. Criteria: ACMG Guidelines, 2015. Collection method: clinical testing. Allele origin: germline. Affected: yes.
Comment: The variant is not observed in the gnomAD v2.1.1 dataset. Predicted Consequence/Location: Intron variant In silico tools predict the variant to alter splicing and produce an abnormal transcript [SpliceAI: 0.21 (>=0.2, moderate evidence for spliceogenicity)]. Therefore, this variant is classified as VUS according to the recommendation of ACMG/AMP guideline.

NM_007175.8(ERLIN2):c.557+4A>C

Gene: ERLIN2 (ER lipid raft associated 2; plus strand). Cytogenetic location: 8p11.23.
Variant type: single nucleotide variant.
Coding change: c.557+4A>C on transcript NM_007175.8 (MANE Select); 4 bases into the intron after coding-DNA position 557, A replaced by C.
Molecular consequence: intron variant.
Genome position (GRCh38, 1-based): chr8:37,749,856, A>C. VCF-style: chr8-37749856-A-C. GRCh37 (hg19) VCF-style: chr8-37607374-A-C.
Other names: c.557+4A>C (NM_001362878.2).
Identifiers: ClinVar variation 3775641 (VCV003775641.1).